The following is an entry in ClinVar:

NM_001034853.2(RPGR):c.1927del (p.Ser643fs)

Gene: RPGR (retinitis pigmentosa GTPase regulator; minus strand). Cytogenetic location: Xp11.4.
Variant type: Deletion.
Coding change: c.1927del on transcript NM_001034853.2 (MANE Select); coding-DNA position 1927, one base deleted (T; older notation c.1927delT).
Protein change: p.Ser643fs; shifts the reading frame from serine 643.
Molecular consequence: frameshift variant. On other transcripts: intron variant (8).
Genome position (GRCh38, 1-based): chrX:38,287,072, A deleted on the plus strand (T on the coding strand, the reverse complement: RPGR is on the minus strand). VCF-style (leftmost placement, unchanged base first): chrX-38287071-GA-G. GRCh37 (hg19) VCF-style: chrX-38146324-GA-G.
Other names: c.1569+3887del (NM_001367249.1, NM_001367250.1); c.1902+22del (NM_001367245.1); c.1386+3887del (NM_001367251.1); c.1719+22del (NM_001367246.1); c.1572+3887del (NM_001367247.1); c.1905+22del (NM_000328.3); c.1602+3887del (NM_001367248.1); short protein forms S643fs.
Identifiers: ClinVar variation 4710233 (VCV004710233.1).

ClinVar aggregate classification (germline): Pathogenic (1 of 4 stars; one submission).

Conditions:
Primary ciliary dyskinesia. Also called: Ciliary dyskinesia. Identifiers: Orphanet 244, MedGen C0008780, MONDO:0016575, HP:0012265.

Submission:

Labcorp Genetics (formerly Invitae), Labcorp
Classification: Pathogenic for Primary ciliary dyskinesia. Last evaluated: 2025-10-10. Review status: criteria provided, single submitter. Criteria: Invitae Variant Classification Sherloc (09022015). Collection method: clinical testing. Allele origin: germline.
Comment: This sequence change creates a premature translational stop signal (p.Ser643Glnfs*54) in the RPGR (ORF15) gene. While this is not anticipated to result in nonsense mediated decay, it is expected to disrupt the last 510 amino acid(s) of the RPGR (ORF15) protein. This variant is not present in population databases (gnomAD no frequency). This variant has not been reported in the literature in individuals affected with RPGR (ORF15)-related conditions. This variant disrupts a region of the RPGR (ORF15) protein in which other variant(s) (p.Leu1130Lysfs*13) have been determined to be pathogenic (PMID: 22264887; Internal data). This suggests that this is a clinically significant region of the protein, and that variants that disrupt it are likely to be disease-causing. For these reasons, this variant has been classified as Pathogenic.

Literature cited by the submitters: PubMed 22264887.